The following is an entry in ClinVar:

NM_006031.6(PCNT):c.5946G>T (p.Val1982=)

Gene: PCNT (pericentrin; plus strand). Cytogenetic location: 21q22.3.
Variant type: single nucleotide variant.
Coding change: c.5946G>T on transcript NM_006031.6 (MANE Select); coding-DNA position 5946, G replaced by T.
Protein change: p.Val1982=; no amino-acid change (valine 1982 retained).
Molecular consequence: synonymous variant.
Genome position (GRCh38, 1-based): chr21:46,412,019, G>T. VCF-style: chr21-46412019-G-T. GRCh37 (hg19) VCF-style: chr21-47831933-G-T.
Other names: c.5592G>T, p.Val1864= (NM_001315529.2).
Identifiers: ClinVar variation 5000238 (VCV005000238.1).

ClinVar aggregate classification (germline): Likely benign (1 of 4 stars; one submission).

Conditions:
PCNT-related disorder. Also called: PCNT-related condition.

gnomAD v4.1: 1 of 1,608,116 alleles (0.000062%); no homozygotes.

Submission:

PreventionGenetics, part of Exact Sciences
Classification: Likely benign for PCNT-related condition. Last evaluated: 2025-06-30. Review status: criteria provided, single submitter. Criteria: ACMG Guidelines, 2015. Collection method: clinical testing. Allele origin: germline.
Comment: This variant is classified as likely benign based on ACMG/AMP sequence variant interpretation guidelines (Richards et al. 2015 PMID: 25741868, with internal and published modifications).